The following is an entry in ClinVar:

ClinVar aggregate classification (germline): Pathogenic (1 of 4 stars; one submission).

Conditions:
Peroxisome biogenesis disorder. Identifiers: Orphanet 79189, MedGen C1832200, MONDO:0019234. Disease mechanism: loss of function.

Submission:

Myriad Genetics, Inc.
Classification: Pathogenic for Peroxisome biogenesis disorder. Last evaluated: 2025-07-13. Review status: criteria provided, single submitter. Criteria: Myriad Autosomal Dominant, Autosomal Recessive and X-Linked Classification Criteria (2023). Collection method: clinical testing. Allele origin: unknown.
Comment: NM_153818.1(PEX10):c.161_176del16(D54Afs*38) is expected to be pathogenic in the context of peroxisome biogenesis disorder type 6. This variant is predicted to lead to an abnormal or absent protein product due to the creation of a premature termination codon in PEX10, a gene where loss-of-function variants are known to be pathogenic. Please note: this variant was assessed in the context of healthy population screening.

NM_002617.4(PEX10):c.161_176del (p.Asp54fs)

Gene: PEX10 (peroxisomal biogenesis factor 10; minus strand). Cytogenetic location: 1p36.32.
Variant type: Deletion.
Coding change: c.161_176del on transcript NM_002617.4 (MANE Select); coding-DNA positions 161 to 176, 16 bases deleted (ATGTGGCCTACTTTGG).
Protein change: p.Asp54fs; shifts the reading frame from aspartic acid 54.
Molecular consequence: frameshift variant. On other transcripts: 5 prime UTR variant (2), non-coding transcript variant (1).
Genome position (GRCh38, 1-based): chr1:2,410,388-2,410,403, CCAAAGTAGGCCACAT deleted on the plus strand (ATGTGGCCTACTTTGG on the coding strand, the reverse complement: PEX10 is on the minus strand); deleting any 16 consecutive bases within chr1:2,410,388-2,410,404 gives the same sequence; the c. name uses the placement nearest the transcript's 3' end. VCF-style (leftmost placement, unchanged base first): chr1-2410387-GCCAAAGTAGGCCACAT-G. GRCh37 (hg19) VCF-style: chr1-2341826-GCCAAAGTAGGCCACAT-G.
Other names: c.161_176del, p.Asp54fs (NM_001374425.1, NM_153818.2); c.-272_-257del (NM_001374426.1, NM_001374427.1); short protein forms D54fs.
Identifiers: ClinVar variation 5014710 (VCV005014710.1).